The following is an entry in ClinVar:

ClinVar aggregate classification (germline): Uncertain significance (1 of 4 stars; one submission).

Submission:

Labcorp Genetics (formerly Invitae), Labcorp
Classification: Uncertain significance. Last evaluated: 2023-02-22. Review status: criteria provided, single submitter. Criteria: Invitae Variant Classification Sherloc (09022015). Collection method: clinical testing. Allele origin: germline.
Comment: In summary, the available evidence is currently insufficient to determine the role of this variant in disease. Therefore, it has been classified as a Variant of Uncertain Significance. Algorithms developed to predict the effect of missense changes on protein structure and function output the following: SIFT: "Not Available"; PolyPhen-2: "Benign"; Align-GVGD: "Not Available". The aspartic acid amino acid residue is found in multiple mammalian species, which suggests that this missense change does not adversely affect protein function. ClinVar contains an entry for this variant (Variation ID: 1720583). This variant has not been reported in the literature in individuals affected with CACNA2D4-related conditions. This variant is not present in population databases (gnomAD no frequency). This sequence change replaces histidine, which is basic and polar, with aspartic acid, which is acidic and polar, at codon 753 of the CACNA2D4 protein (p.His753Asp).

NM_172364.5(CACNA2D4):c.2257C>G (p.His753Asp)

Gene: CACNA2D4 (calcium voltage-gated channel auxiliary subunit alpha2delta 4; minus strand). Cytogenetic location: 12p13.33.
Variant type: single nucleotide variant.
Coding change: c.2257C>G on transcript NM_172364.5 (MANE Select); coding-DNA position 2257, C replaced by G.
Protein change: p.His753Asp; replaces histidine 753 with aspartic acid.
Molecular consequence: missense variant.
Genome position (GRCh38, 1-based): chr12:1,846,679, G>C on the plus strand (C>G on the coding strand, the complement: CACNA2D4 is on the minus strand). VCF-style: chr12-1846679-G-C. GRCh37 (hg19) VCF-style: chr12-1955845-G-C.
Other names: short protein forms H753D.
Identifiers: ClinVar variation 1720583 (VCV001720583.5), dbSNP rs201811189, ClinGen allele CA383359720.